The following is an entry in ClinVar:

NM_000199.5(SGSH):c.123C>A (p.Asn41Lys)

Gene: SGSH (N-sulfoglucosamine sulfohydrolase; minus strand). Cytogenetic location: 17q25.3.
Variant type: single nucleotide variant.
Coding change: c.123C>A on transcript NM_000199.5 (MANE Select); coding-DNA position 123, C replaced by A.
Protein change: p.Asn41Lys; replaces asparagine 41 with lysine.
Molecular consequence: missense variant. On other transcripts: non-coding transcript variant (1).
Genome position (GRCh38, 1-based): chr17:80,217,158, G>T on the plus strand (C>A on the coding strand, the complement: SGSH is on the minus strand). VCF-style: chr17-80217158-G-T. GRCh37 (hg19) VCF-style: chr17-78190957-G-T.
Other names: c.123C>A, p.Asn41Lys (NM_001352921.3, NM_001352922.2); short protein forms N41K.
Identifiers: ClinVar variation 967170 (VCV000967170.10), dbSNP rs1230391147, ClinGen allele CA401364609.

ClinVar aggregate classification (germline): Uncertain significance. Review status: criteria provided, multiple submitters, no conflicts (2 of 4 stars). 3 submissions from 3 submitters: Uncertain significance (2). 1 of the submissions does not count toward it. Last evaluated 2021-11-07.

Conditions:
Mucopolysaccharidosis, MPS-III-A (MPS3A). Also called: mucopolysaccharidosis type 3A; MPS IIIA (Sanfilippo Syndrome Type A); HEPARAN SULFATE SULFATASE DEFICIENCY; MUCOPOLYSACCHARIDOSIS, TYPE IIIA, ATTENUATED; Mucopolysaccharidosis type IIIA (Sanfilippo A); Mucopolysaccharidosis, type IIIA. Identifiers: Orphanet 581, Orphanet 79269, MedGen C0086647, MONDO:0009655, OMIM 252900.

Allele frequency attached by ClinVar (database versions not stated): TOPMed 0.00001.

Submissions (3):

Genome-Nilou Lab
Classification: Uncertain significance for Mucopolysaccharidosis, MPS-III-A. Last evaluated: 2021-11-07. Review status: criteria provided, single submitter. Criteria: ACMG Guidelines, 2015. Collection method: clinical testing. Allele origin: germline. Affected: no.

Labcorp Genetics (formerly Invitae), Labcorp
Classification: Uncertain significance for Mucopolysaccharidosis, MPS-III-A. Last evaluated: 2021-08-31. Review status: criteria provided, single submitter. Criteria: Invitae Variant Classification Sherloc (09022015). Collection method: clinical testing. Allele origin: germline.
Comment: This sequence change replaces asparagine with lysine at codon 41 of the SGSH protein (p.Asn41Lys). The asparagine residue is highly conserved and there is a moderate physicochemical difference between asparagine and lysine. This variant is not present in population databases (ExAC no frequency). This variant has not been reported in the literature in individuals affected with SGSH-related conditions. Algorithms developed to predict the effect of missense changes on protein structure and function are either unavailable or do not agree on the potential impact of this missense change (SIFT: "Tolerated"; PolyPhen-2: "Possibly Damaging"; Align-GVGD: "Class C0"). In summary, the available evidence is currently insufficient to determine the role of this variant in disease. Therefore, it has been classified as a Variant of Uncertain Significance.

Natera, Inc.
Classification: Uncertain significance for Mucopolysaccharidosis type IIIA. Last evaluated: 2020-03-24. Review status: no assertion criteria provided. Collection method: clinical testing. Allele origin: germline. Not counted in ClinVar's aggregate classification.